The following is an entry in ClinVar:

NM_004937.3(CTNS):c.681G>C (p.Glu227Asp)

Genes: CTNS (cystinosin, lysosomal cystine transporter; plus strand), CTNS-AS1 (CTNS antisense RNA 1; minus strand). Cytogenetic location: 17p13.2.
Variant type: single nucleotide variant.
Coding change: c.681G>C on transcript NM_004937.3 (MANE Select); coding-DNA position 681, G replaced by C.
Protein change: p.Glu227Asp; replaces glutamic acid 227 with aspartic acid.
Molecular consequence: missense variant.
Genome position (GRCh38, 1-based): chr17:3,656,795, G>C. VCF-style: chr17-3656795-G-C. GRCh37 (hg19) VCF-style: chr17-3560089-G-C.
Other names: c.681G>C, p.Glu227Asp (NM_001031681.3, NM_001374492.1); c.240G>C, p.Glu80Asp (NM_001374493.1, NM_001374494.1, NM_001374495.1 and 1 more transcripts); short protein forms E227D, E80D.
Identifiers: ClinVar variation 1935738 (VCV001935738.3), dbSNP rs778414542, ClinGen allele CA8291817.

ClinVar aggregate classification (germline): Uncertain significance (1 of 4 stars; one submission).

Conditions:
Inborn genetic diseases. Identifiers: MedGen C0950123, MeSH D030342.
Juvenile nephropathic cystinosis. Also called: Later-Onset (Juvenile) Cystinosis; Intermediate Cystinosis; CYSTINOSIS, LATE-ONSET JUVENILE OR ADOLESCENT NEPHROPATHIC TYPE. Identifiers: Orphanet 213, Orphanet 411634, MedGen C0268626, MONDO:0009066, OMIM 219900.
Ocular cystinosis. Also called: Non-Nephropathic (Ocular) Cystinosis; Non-Nephropathic Cystinosis. Identifiers: Orphanet 213, Orphanet 411641, MedGen C2931013, MONDO:0009064, OMIM 219750.

Allele frequency attached by ClinVar (database versions not stated): ExAC 0.00001.

Submissions (2):

Labcorp Genetics (formerly Invitae), Labcorp
Classification: Uncertain significance for Inborn genetic diseases; Ocular cystinosis; Juvenile nephropathic cystinosis. Last evaluated: 2022-03-25. Review status: criteria provided, single submitter. Criteria: Invitae Variant Classification Sherloc (09022015). Collection method: clinical testing. Allele origin: germline.
Comment: This sequence change replaces glutamic acid, which is acidic and polar, with aspartic acid, which is acidic and polar, at codon 227 of the CTNS protein (p.Glu227Asp). This variant also falls at the last nucleotide of exon 9, which is part of the consensus splice site for this exon. This variant is not present in population databases (gnomAD no frequency). This variant has not been reported in the literature in individuals affected with CTNS-related conditions. Algorithms developed to predict the effect of missense changes on protein structure and function (SIFT, PolyPhen-2, Align-GVGD) all suggest that this variant is likely to be tolerated. Variants that disrupt the consensus splice site are a relatively common cause of aberrant splicing (PMID: 17576681, 9536098). Algorithms developed to predict the effect of sequence changes on RNA splicing suggest that this variant may disrupt the consensus splice site. In summary, the available evidence is currently insufficient to determine the role of this variant in disease. Therefore, it has been classified as a Variant of Uncertain Significance.

Dr. Peter K. Rogan Lab, Western University
No classification provided (evidence only). Condition: Melanoma. Review status: no classification provided. Collection method: in vitro. Allele origin: not applicable. Functional consequence: retained intron. Not counted in ClinVar's aggregate classification.

Literature cited by the submitters: PubMed 17576681 (cited by Labcorp Genetics (formerly Invitae), Labcorp); PubMed 9536098 (cited by Labcorp Genetics (formerly Invitae), Labcorp).